The following is an entry in ClinVar:

ClinVar aggregate classification (germline): Uncertain significance (1 of 4 stars; one submission).

Allele frequency attached by ClinVar (database versions not stated): TOPMed 0.00004; 1000 Genomes Project 0.00020; ExAC 0.00003; gnomAD 0.00007; ESP Exome Variant Server 0.00015; 1000 Genomes Project 30x 0.00016; gnomAD exomes 0.00001.
gnomAD v4.1: 21 of 1,598,376 alleles (0.0013%); highest among the groups gnomAD compares: African/African-American, 0.023%; no homozygotes.

Submission:

Labcorp Genetics (formerly Invitae), Labcorp
Classification: Uncertain significance. Last evaluated: 2026-01-06. Review status: criteria provided, single submitter. Criteria: Invitae Variant Classification Sherloc (09022015). Collection method: clinical testing. Allele origin: germline.
Comment: This sequence change replaces lysine, which is basic and polar, with glutamine, which is neutral and polar, at codon 1305 of the NLRP1 protein (p.Lys1305Gln). This variant is present in population databases (rs143196732, gnomAD 0.02%). This variant has not been reported in the literature in individuals affected with NLRP1-related conditions. ClinVar contains an entry for this variant (Variation ID: 2888378). An algorithm developed to predict the effect of missense changes on protein structure and function outputs the following: PolyPhen-2: "Possibly Damaging". The glutamine amino acid residue is found in multiple mammalian species, which suggests that this missense change does not adversely affect protein function. In summary, the available evidence is currently insufficient to determine the role of this variant in disease. Therefore, it has been classified as a Variant of Uncertain Significance.

NM_033004.4(NLRP1):c.3913A>C (p.Lys1305Gln)

Gene: NLRP1 (NLR family pyrin domain containing 1; minus strand). Cytogenetic location: 17p13.2.
Variant type: single nucleotide variant.
Coding change: c.3913A>C on transcript NM_033004.4 (MANE Select); coding-DNA position 3913, A replaced by C.
Protein change: p.Lys1305Gln; replaces lysine 1305 with glutamine.
Molecular consequence: missense variant. On other transcripts: intron variant (2).
Genome position (GRCh38, 1-based): chr17:5,520,883, T>G on the plus strand (A>C on the coding strand, the complement: NLRP1 is on the minus strand). VCF-style: chr17-5520883-T-G. GRCh37 (hg19) VCF-style: chr17-5424203-T-G.
Other names: c.3925A>C, p.Lys1309Gln (NM_001033053.3); c.3823A>C, p.Lys1275Gln (NM_033006.4); c.3693+641A>C (NM_033007.4); c.3783+641A>C (NM_014922.5); short protein forms K1275Q, K1309Q, K1305Q.
Identifiers: ClinVar variation 2888378 (VCV002888378.3), dbSNP rs143196732, ClinGen allele CA8326710.
Genomic context (GRCh38, chr17:5,520,883, plus strand): 5'-ATTCATTCCCAGGTAGGACTTCTGTTCGCAGTGAAGAGGCAGACACTGGGCTGCTCACCT[T>G]GGGGAGTATTTCCAGCATCCCTGAACCAGACCCAGACACAGTGTAACGACAGCCCATATA-3'
Protein context (NP_127497.1, residues 1295-1315): SGSGMLEILP[Lys1305Gln]ELELCYRSPG